The following is an entry in ClinVar:

ClinVar aggregate classification (germline): Uncertain significance (1 of 4 stars; one submission).

Submission:

Labcorp Genetics (formerly Invitae), Labcorp
Classification: Uncertain significance. Last evaluated: 2021-03-10. Review status: criteria provided, single submitter. Criteria: Invitae Variant Classification Sherloc (09022015). Collection method: clinical testing. Allele origin: germline.
Comment: This sequence change results in a frameshift in the PDE6A gene (p.Asn845Lysfs*57). While this is not anticipated to result in nonsense mediated decay, it is expected to disrupt the last 16 amino acid(s) of the PDE6A protein and extend the protein by 40 additional amino acid residues. This variant is present in population databases (rs775213151, ExAC 0.006%). This variant has not been reported in the literature in individuals with PDE6A-related conditions. Experimental studies and prediction algorithms are not available or were not evaluated, and the functional significance of this variant is currently unknown. In summary, the available evidence is currently insufficient to determine the role of this variant in disease. Therefore, it has been classified as a Variant of Uncertain Significance.

NM_000440.3(PDE6A):c.2531dup (p.Asn845fs)

Gene: PDE6A (phosphodiesterase 6A; minus strand). Cytogenetic location: 5q32.
Variant type: Duplication.
Coding change: c.2531dup on transcript NM_000440.3 (MANE Select); coding-DNA position 2531, one base duplicated (G; older notation c.2531dupG).
Protein change: p.Asn845fs; shifts the reading frame from asparagine 845.
Molecular consequence: frameshift variant.
Genome position (GRCh38, 1-based): chr5:149,860,947, C duplicated on the plus strand (G on the coding strand, the reverse complement: PDE6A is on the minus strand); the first of 6 consecutive C bases (chr5:149,860,947-149,860,952); duplicating any one gives the same sequence. VCF-style (leftmost placement, unchanged base first): chr5-149860946-T-TC. GRCh37 (hg19) VCF-style: chr5-149240509-T-TC.
Other names: c.2283dup, p.Asn764Lysfs (NM_001410788.1); short protein forms N845fs.
Identifiers: ClinVar variation 1915631 (VCV001915631.2), dbSNP rs769569931, ClinGen allele CA3504240.